The following is an entry in ClinVar:

ClinVar aggregate classification (germline): Uncertain significance (1 of 4 stars; one submission).

Allele frequency attached by ClinVar (database versions not stated): gnomAD exomes below 0.00001; TOPMed below 0.00001; ExAC 0.00001; gnomAD 0.00001.
gnomAD v4.1: 6 of 1,613,900 alleles (0.00037%); highest among the groups gnomAD compares: Non-Finnish European, 0.00051%; no homozygotes.

Submission:

Labcorp Genetics (formerly Invitae), Labcorp
Classification: Uncertain significance. Last evaluated: 2023-08-02. Review status: criteria provided, single submitter. Criteria: Invitae Variant Classification Sherloc (09022015). Collection method: clinical testing. Allele origin: germline.
Comment: In summary, the available evidence is currently insufficient to determine the role of this variant in disease. Therefore, it has been classified as a Variant of Uncertain Significance. Advanced modeling of protein sequence and biophysical properties (such as structural, functional, and spatial information, amino acid conservation, physicochemical variation, residue mobility, and thermodynamic stability) performed at Invitae indicates that this missense variant is expected to disrupt MYO15A protein function. This variant has not been reported in the literature in individuals affected with MYO15A-related conditions. This variant is present in population databases (rs780787799, gnomAD 0.0009%). This sequence change replaces leucine, which is neutral and non-polar, with proline, which is neutral and non-polar, at codon 1848 of the MYO15A protein (p.Leu1848Pro).

NM_016239.4(MYO15A):c.5543T>C (p.Leu1848Pro)

Gene: MYO15A (myosin XVA; plus strand). Cytogenetic location: 17p11.2.
Variant type: single nucleotide variant.
Coding change: c.5543T>C on transcript NM_016239.4 (MANE Select); coding-DNA position 5543, T replaced by C.
Protein change: p.Leu1848Pro; replaces leucine 1848 with proline.
Molecular consequence: missense variant.
Genome position (GRCh38, 1-based): chr17:18,141,664, T>C. VCF-style: chr17-18141664-T-C. GRCh37 (hg19) VCF-style: chr17-18044978-T-C.
Other names: short protein forms L1848P.
Identifiers: ClinVar variation 2999290 (VCV002999290.3), dbSNP rs780787799, ClinGen allele CA8424327.